The following is an entry in ClinVar:

ClinVar aggregate classification (germline): Uncertain significance. Review status: criteria provided, multiple submitters, no conflicts (2 of 4 stars). 2 submissions from 2 submitters: Uncertain significance (2). Last evaluated 2025-01-24.

Conditions:
Inborn genetic diseases. Identifiers: MedGen C0950123, MeSH D030342.
Epileptic encephalopathy. Identifiers: MedGen C0543888, HP:0200134.

Submissions (2):

Ambry Genetics
Classification: Uncertain significance for Inborn genetic diseases. Last evaluated: 2025-01-24. Review status: criteria provided, single submitter. Criteria: Ambry Variant Classification Scheme 2023. Collection method: clinical testing. Allele origin: germline.

Labcorp Genetics (formerly Invitae), Labcorp
Classification: Uncertain significance for Epileptic encephalopathy. Last evaluated: 2024-02-18. Review status: criteria provided, single submitter. Criteria: Invitae Variant Classification Sherloc (09022015). Collection method: clinical testing. Allele origin: germline.
Comment: This sequence change replaces lysine, which is basic and polar, with arginine, which is basic and polar, at codon 772 of the GABBR2 protein (p.Lys772Arg). This variant is not present in population databases (gnomAD no frequency). This variant has not been reported in the literature in individuals affected with GABBR2-related conditions. Advanced modeling of protein sequence and biophysical properties (such as structural, functional, and spatial information, amino acid conservation, physicochemical variation, residue mobility, and thermodynamic stability) performed at Invitae indicates that this missense variant is not expected to disrupt GABBR2 protein function with a negative predictive value of 80%. In summary, the available evidence is currently insufficient to determine the role of this variant in disease. Therefore, it has been classified as a Variant of Uncertain Significance.

NM_005458.8(GABBR2):c.2315A>G (p.Lys772Arg)

Gene: GABBR2 (gamma-aminobutyric acid type B receptor subunit 2; minus strand). Cytogenetic location: 9q22.33.
Variant type: single nucleotide variant.
Coding change: c.2315A>G on transcript NM_005458.8 (MANE Select); coding-DNA position 2315, A replaced by G.
Protein change: p.Lys772Arg; replaces lysine 772 with arginine.
Molecular consequence: missense variant.
Genome position (GRCh38, 1-based): chr9:98,303,338, T>C on the plus strand (A>G on the coding strand, the complement: GABBR2 is on the minus strand). VCF-style: chr9-98303338-T-C. GRCh37 (hg19) VCF-style: chr9-101065620-T-C.
Other names: c.2315A>G (NM_005458.7); short protein forms K772R.
Identifiers: ClinVar variation 3700862 (VCV003700862.3).